The following is an entry in ClinVar:

NM_016343.4(CENPF):c.3514_3515del (p.Glu1172fs)

Gene: CENPF (centromere protein F; plus strand). Cytogenetic location: 1q41.
Variant type: Deletion.
Coding change: c.3514_3515del on transcript NM_016343.4 (MANE Select); coding-DNA positions 3514 to 3515, 2 bases deleted (GA; older notation c.3514_3515delGA).
Protein change: p.Glu1172fs; shifts the reading frame from glutamic acid 1172.
Molecular consequence: frameshift variant.
Genome position (GRCh38, 1-based): chr1:214,641,852-214,641,853, GA deleted; deleting any 2 consecutive bases within chr1:214,641,851-214,641,853 gives the same sequence; the c. name uses the placement nearest the transcript's 3' end. VCF-style (leftmost placement, unchanged base first): chr1-214641850-CAG-C. GRCh37 (hg19) VCF-style: chr1-214815193-CAG-C.
Other names: short protein forms E1172fs.
Identifiers: ClinVar variation 3572958 (VCV003572958.2).

ClinVar aggregate classification (germline): Pathogenic (1 of 4 stars; one submission).

Conditions:
Stromme syndrome (STROMS). Also called: APPLE PEEL SYNDROME WITH MICROCEPHALY AND OCULAR ANOMALIES; Ciliary dyskinesia, primary, 31; Strømme Syndrome. Identifiers: Orphanet 444069, Orphanet 506307, MedGen C1855705, MONDO:0009477, OMIM 243605.

Submission:

Center for Precision Genome Editing and Genetic Technologies for Biomedicine, Pirogov Russian National Research Medical University
Classification: Pathogenic for Stromme syndrome. Review status: criteria provided, single submitter. Criteria: ACMG Guidelines, 2015. Collection method: clinical testing. Allele origin: unknown. Inheritance: Autosomal recessive inheritance. Affected: yes.
Comment: CENPF(NM_016343.4):c.3514_3515del (p.Glu1172ThrfsTer3), is a frameshift variant that leads to the formation of a premature stop codon, which will result in a reduction in the amount of protein product - PVS1. This variant has not been detected in control samples nor in patients with Stromme syndrome, OMIM: 243605, hence the PM2 criterion applies. Additionally, the description of the proband is very similar to clinical cases described, hence the PP4 criterion applies.